The following is an entry in ClinVar:

ClinVar aggregate classification (germline): Uncertain significance (1 of 4 stars; one submission).

Conditions:
Duchenne muscular dystrophy (DMD). Also called: MUSCULAR DYSTROPHY, PSEUDOHYPERTROPHIC PROGRESSIVE, DUCHENNE TYPE; Duchenne Muscular Dystrophy (DMD). Identifiers: Orphanet 98896, MedGen C0013264, MONDO:0010679, OMIM 310200.

Submission:

Labcorp Genetics (formerly Invitae), Labcorp
Classification: Uncertain significance for Duchenne muscular dystrophy. Last evaluated: 2022-05-14. Review status: criteria provided, single submitter. Criteria: Invitae Variant Classification Sherloc (09022015). Collection method: clinical testing. Allele origin: germline.
Comment: In summary, the available evidence is currently insufficient to determine the role of this variant in disease. Therefore, it has been classified as a Variant of Uncertain Significance. Algorithms developed to predict the effect of missense changes on protein structure and function are either unavailable or do not agree on the potential impact of this missense change (SIFT: "Deleterious"; PolyPhen-2: "Benign"; Align-GVGD: "Class C0"). This variant has not been reported in the literature in individuals affected with DMD-related conditions. This variant is not present in population databases (gnomAD no frequency). This sequence change replaces isoleucine, which is neutral and non-polar, with leucine, which is neutral and non-polar, at codon 1767 of the DMD protein (p.Ile1767Leu).

NM_004006.3(DMD):c.5299A>C (p.Ile1767Leu)

Gene: DMD (dystrophin; minus strand). Cytogenetic location: Xp21.1.
Variant type: single nucleotide variant.
Coding change: c.5299A>C on transcript NM_004006.3 (MANE Select); coding-DNA position 5299, A replaced by C.
Protein change: p.Ile1767Leu; replaces isoleucine 1767 with leucine.
Molecular consequence: missense variant.
Genome position (GRCh38, 1-based): chrX:32,362,814, T>G on the plus strand (A>C on the coding strand, the complement: DMD is on the minus strand). VCF-style: chrX-32362814-T-G. GRCh37 (hg19) VCF-style: chrX-32380931-T-G.
Other names: c.5275A>C, p.Ile1759Leu (NM_000109.4); c.5287A>C, p.Ile1763Leu (NM_004009.3); c.4930A>C, p.Ile1644Leu (NM_004010.3); c.1276A>C, p.Ile426Leu (NM_004011.4); c.1267A>C, p.Ile423Leu (NM_004012.4); short protein forms I1759L, I423L, I426L, I1644L, I1767L, I1763L.
Identifiers: ClinVar variation 1984573 (VCV001984573.4), dbSNP rs2097841746, ClinGen allele CA412670979.